The following is an entry in ClinVar:

NM_000090.4(COL3A1):c.3515G>A (p.Arg1172Lys)

Gene: COL3A1 (collagen type III alpha 1 chain; plus strand). Cytogenetic location: 2q32.2.
Variant type: single nucleotide variant.
Coding change: c.3515G>A on transcript NM_000090.4 (MANE Select); coding-DNA position 3515, G replaced by A.
Protein change: p.Arg1172Lys; replaces arginine 1172 with lysine.
Molecular consequence: missense variant.
Genome position (GRCh38, 1-based): chr2:189,008,132, G>A. VCF-style: chr2-189008132-G-A. GRCh37 (hg19) VCF-style: chr2-189872858-G-A.
Other names: short protein forms R1172K.
Identifiers: ClinVar variation 3386487 (VCV003386487.1).
Genomic context (GRCh38, chr2:189,008,132, plus strand): 5'-GAACCAGTGGACATCCAGGTCCCATTGGACCACCAGGGCCTCGAGGTAACAGAGGTGAAA[G>A]AGGATCTGAGGTAAGACATCACTTATACGTATGTGTATTTAATTTGCTACAATCTTCCAA-3'
Protein context (NP_000081.2, residues 1162-1182): PPGPRGNRGE[Arg1172Lys]GSEGSPGHPG

ClinVar aggregate classification (germline): Uncertain significance (1 of 4 stars; one submission).

Conditions:
Ehlers-Danlos syndrome, type 4 (EDSVASC). Also called: Ehlers-Danlos syndrome vascular type; Ehlers Danlos syndrome, ecchymotic type; Ehlers Danlos syndrome, arterial type; Ehlers Danlos syndrome, Sack-Barabas type; Ehlers-Danlos Syndrome Type IV. Identifiers: Orphanet 286, MedGen C0268338, MONDO:0017314, OMIM 130050.

Submission:

All of Us Research Program, National Institutes of Health
Classification: Uncertain significance for Ehlers-Danlos syndrome, type 4. Last evaluated: 2024-03-05. Review status: criteria provided, single submitter. Criteria: ACMG Guidelines, 2015. Collection method: clinical testing. Allele origin: germline. Inheritance: Autosomal dominant inheritance. Observed: 1 variant allele, 1 heterozygote.
Comment: This study involves interpretation of variants in research participants for the purpose of population health screening. Participant phenotype was not available at the time of variant classification. Additional details can be found in publication PMID: 35346344, PMCID: PMC8962531